The following is an entry in ClinVar:

ClinVar aggregate classification (germline): Uncertain significance. Review status: criteria provided, single submitter (1 of 4 stars). 2 submissions from 2 submitters: Uncertain significance (1). 1 of the submissions does not count toward it. Last evaluated 2024-11-18.

Conditions:
Retinitis pigmentosa 39 (RP39). Identifiers: Orphanet 791, MedGen C3151138, MONDO:0013436, OMIM 613809.
Usher syndrome type 2A. Also called: RETINAL DISEASE IN USHER SYNDROME TYPE IIA, MODIFIER OF; USHER SYNDROME, TYPE IIA. Identifiers: Orphanet 231178, Orphanet 886, MedGen C1848634, MONDO:0010169, OMIM 276901.

Allele frequency attached by ClinVar (database versions not stated): ExAC 0.00001; gnomAD exomes 0.00001.
gnomAD v4.1: 8 of 1,613,196 alleles (0.0005%); highest among the groups gnomAD compares: Non-Finnish European, 0.00059%; no homozygotes.

Submissions (2):

Women's Health and Genetics/Laboratory Corporation of America, LabCorp
Classification: Uncertain significance. Last evaluated: 2024-11-18. Review status: criteria provided, single submitter. Criteria: LabCorp Variant Classification Summary - May 2015. Collection method: clinical testing. Allele origin: germline.
Comment: Variant summary: USH2A c.8212G>A (p.Asp2738Asn) results in a conservative amino acid change located in the Immunoglobulins domain (IPR013783) of the encoded protein sequence. Five of five in-silico tools predict a benign effect of the variant on protein function. The variant allele was found at a frequency of 8e-06 in 250850 control chromosomes. c.8212G>A has been reported in the presumed compound heterozygous state in the literature in at least 1 individual affected with Usher Syndrome (example, Huang_2013). These data indicate that the variant may be associated with disease. To our knowledge, no experimental evidence demonstrating an impact on protein function has been reported. The following publication has been ascertained in the context of this evaluation (PMID: 23737954). ClinVar contains an entry for this variant (Variation ID: 556319). Based on the evidence outlined above, the variant was classified as VUS-possibly pathogenic.

Counsyl
Classification: Uncertain significance for Usher syndrome type 2A; Retinitis pigmentosa 39. Last evaluated: 2018-01-26. Review status: no assertion criteria provided. Collection method: clinical testing. Allele origin: unknown. Not counted in ClinVar's aggregate classification.

Literature cited by the submitters: PubMed 23737954 (cited by Women's Health and Genetics/Laboratory Corporation of America, LabCorp and Counsyl).

NM_206933.4(USH2A):c.8212G>A (p.Asp2738Asn)

Gene: USH2A (usherin; minus strand). Cytogenetic location: 1q41.
Variant type: single nucleotide variant.
Coding change: c.8212G>A on transcript NM_206933.4 (MANE Select); coding-DNA position 8212, G replaced by A.
Protein change: p.Asp2738Asn; replaces aspartic acid 2738 with asparagine.
Molecular consequence: missense variant.
Genome position (GRCh38, 1-based): chr1:215,888,437, C>T on the plus strand (G>A on the coding strand, the complement: USH2A is on the minus strand). VCF-style: chr1-215888437-C-T. GRCh37 (hg19) VCF-style: chr1-216061779-C-T.
Other names: short protein forms D2738N.
Identifiers: ClinVar variation 556319 (VCV000556319.3), dbSNP rs750687826, ClinGen allele CA1394662.
Genomic context (GRCh38, chr1:215,888,437, plus strand): 5'-AGGGTACATTCCTAAGTCTGCAAAGGAGAGAGAATAGTCAGTATCTTACCTGGACTGCAT[C>T]GGGTTCCAGCACTGTCACCACAGGTGGCTGCACCCCAGCAGGTCGTGAGGGTCTTGTGGT-3'
Protein context (NP_996816.3, residues 2728-2748): QPPVVTVLEP[Asp2738Asn]AVQVTWKPPL